The following is an entry in ClinVar:

ClinVar aggregate classification (germline): Uncertain significance (1 of 4 stars; one submission).

Submission:

GeneDx
Classification: Uncertain significance. Last evaluated: 2025-05-29. Review status: criteria provided, single submitter. Criteria: GeneDx Variant Classification Process June 2021. Collection method: clinical testing. Allele origin: germline. Affected: yes.
Comment: Not observed at significant frequency in large population cohorts (gnomAD); In silico analysis supports that this missense variant has a deleterious effect on protein structure/function; Has not been previously published as pathogenic or benign to our knowledge

NM_001367943.1(TCF7L2):c.886C>G (p.His296Asp)

Gene: TCF7L2 (transcription factor 7 like 2; plus strand). Cytogenetic location: 10q25.3.
Variant type: single nucleotide variant.
Coding change: c.886C>G on transcript NM_001367943.1 (MANE Select); coding-DNA position 886, C replaced by G.
Protein change: p.His296Asp; replaces histidine 296 with aspartic acid.
Molecular consequence: missense variant.
Genome position (GRCh38, 1-based): chr10:113,151,008, C>G. VCF-style: chr10-113151008-C-G. GRCh37 (hg19) VCF-style: chr10-114910767-C-G.
Other names: c.886C>G, p.His296Asp (NM_001146274.2, NM_001198531.2, NM_001363501.2); c.958C>G, p.His320Asp (NM_001146283.2); c.805C>G, p.His269Asp (NM_001146284.2, NM_001198527.2); c.817C>G, p.His273Asp (NM_001146285.2, NM_001146286.2, NM_001198526.2 and 3 more transcripts); c.832C>G, p.His278Asp (NM_001198525.2); c.715C>G, p.His239Asp (NM_001198530.2); c.457C>G, p.His153Asp (NM_001349870.2); c.337C>G, p.His113Asp (NM_001349871.1); short protein forms H113D, H153D, H239D, H269D, H273D, H278D, H296D, H320D.
Identifiers: ClinVar variation 4532664 (VCV004532664.1).